The following is an entry in ClinVar:

NM_015103.3(PLXND1):c.1350G>A (p.Leu450=)

Gene: PLXND1 (plexin D1; minus strand). Cytogenetic location: 3q22.1.
Variant type: single nucleotide variant.
Coding change: c.1350G>A on transcript NM_015103.3 (MANE Select); coding-DNA position 1350, G replaced by A.
Protein change: p.Leu450=; no amino-acid change (leucine 450 retained).
Molecular consequence: synonymous variant.
Genome position (GRCh38, 1-based): chr3:129,589,489, C>T on the plus strand (G>A on the coding strand, the complement: PLXND1 is on the minus strand). VCF-style: chr3-129589489-C-T. GRCh37 (hg19) VCF-style: chr3-129308332-C-T.
Identifiers: ClinVar variation 708070 (VCV000708070.6), dbSNP rs372964683, ClinGen allele CA2609412.
Genomic context (GRCh38, chr3:129,589,489, plus strand): 5'-GCCCGGGGCGCGGAACACGGGCGTGGCCTTCAGGGGCTGCAGGATGGACAGCGGGTGCTG[C>T]AGGTGAGCAGCTCCACAGTCCAGCTGCTCTGGCTGGAGCTGGAAGAGGAACGGCACGTCA-3'
Protein context (NP_055918.3, residues 440-460): PEQLDCGAAH[Leu450=]QHPLSILQPL

ClinVar aggregate classification (germline): Likely benign. Review status: criteria provided, single submitter (1 of 4 stars). 2 submissions from 2 submitters: Likely benign (1). 1 of the submissions does not count toward it. Last evaluated 2019-12-31.

Conditions:
PLXND1-related disorder. Also called: PLXND1-related condition.

Allele frequency attached by ClinVar (database versions not stated): 1000 Genomes Project 30x 0.00016; gnomAD exomes 0.00023 and 0.00051; TOPMed 0.00029; gnomAD 0.00031; ExAC 0.00035; ESP Exome Variant Server 0.00038.
gnomAD v4.1: 767 of 1,604,066 alleles (0.048%); highest among the groups gnomAD compares: Non-Finnish European, 0.063%; 1 homozygote.

Submissions (2):

Labcorp Genetics (formerly Invitae), Labcorp
Classification: Likely benign. Last evaluated: 2019-12-31. Review status: criteria provided, single submitter. Criteria: Invitae Variant Classification Sherloc (09022015). Collection method: clinical testing. Allele origin: germline.

PreventionGenetics, part of Exact Sciences
Classification: Likely benign for PLXND1-related condition. Last evaluated: 2019-03-05. Review status: no assertion criteria provided. Collection method: clinical testing. Allele origin: germline. Not counted in ClinVar's aggregate classification.
Comment: This variant is classified as likely benign based on ACMG/AMP sequence variant interpretation guidelines (Richards et al. 2015 PMID: 25741868, with internal and published modifications).